The following is an entry in ClinVar:

ClinVar aggregate classification (germline): Uncertain significance (1 of 4 stars; one submission).

Conditions:
Bethlem myopathy 1A. Also called: MYOPATHY, BENIGN CONGENITAL, WITH CONTRACTURES; Bethlem Muscular Dystrophy; Bethlem myopathy 1. Identifiers: Orphanet 610, MedGen CN029274, MONDO:0024530, OMIM 158810.

Submission:

Labcorp Genetics (formerly Invitae), Labcorp
Classification: Uncertain significance for Bethlem myopathy 1A. Last evaluated: 2022-07-17. Review status: criteria provided, single submitter. Criteria: Invitae Variant Classification Sherloc (09022015). Collection method: clinical testing. Allele origin: germline.
Comment: In summary, the available evidence is currently insufficient to determine the role of this variant in disease. Therefore, it has been classified as a Variant of Uncertain Significance. Advanced modeling of protein sequence and biophysical properties (such as structural, functional, and spatial information, amino acid conservation, physicochemical variation, residue mobility, and thermodynamic stability) performed at Invitae indicates that this missense variant is not expected to disrupt COL6A3 protein function. This variant has not been reported in the literature in individuals affected with COL6A3-related conditions. This variant is not present in population databases (gnomAD no frequency). This sequence change replaces glutamic acid, which is acidic and polar, with aspartic acid, which is acidic and polar, at codon 343 of the COL6A3 protein (p.Glu343Asp).

NM_004369.4(COL6A3):c.1029G>C (p.Glu343Asp)

Gene: COL6A3 (collagen type VI alpha 3 chain; minus strand). Cytogenetic location: 2q37.3.
Variant type: single nucleotide variant.
Coding change: c.1029G>C on transcript NM_004369.4 (MANE Select); coding-DNA position 1029, G replaced by C.
Protein change: p.Glu343Asp; replaces glutamic acid 343 with aspartic acid.
Molecular consequence: missense variant. On other transcripts: intron variant (2).
Genome position (GRCh38, 1-based): chr2:237,387,865, C>G on the plus strand (G>C on the coding strand, the complement: COL6A3 is on the minus strand). VCF-style: chr2-237387865-C-G. GRCh37 (hg19) VCF-style: chr2-238296508-C-G.
Other names: c.411G>C, p.Glu137Asp (NM_057165.5, NM_057167.4); c.92-6366G>C (NM_057166.5, NM_057164.5); short protein forms E137D, E343D.
Identifiers: ClinVar variation 1716895 (VCV001716895.6), dbSNP rs2078188275, ClinGen allele CA351222368.